The following is an entry in ClinVar:

NM_030665.4(RAI1):c.3880C>A (p.Pro1294Thr)

Gene: RAI1 (retinoic acid induced 1; plus strand). Cytogenetic location: 17p11.2.
Variant type: single nucleotide variant.
Coding change: c.3880C>A on transcript NM_030665.4 (MANE Select); coding-DNA position 3880, C replaced by A.
Protein change: p.Pro1294Thr; replaces proline 1294 with threonine.
Molecular consequence: missense variant.
Genome position (GRCh38, 1-based): chr17:17,796,828, C>A. VCF-style: chr17-17796828-C-A. GRCh37 (hg19) VCF-style: chr17-17700142-C-A.
Other names: short protein forms P1294T.
Identifiers: ClinVar variation 4991537 (VCV004991537.1).

ClinVar aggregate classification (germline): Uncertain significance (1 of 4 stars; one submission).

Conditions:
RAI1-related disorder. Also called: RAI1-related condition.

gnomAD v4.1: 5 of 1,611,112 alleles (0.00031%); highest among the groups gnomAD compares: Non-Finnish European, 0.00042%; no homozygotes.

Submission:

PreventionGenetics, part of Exact Sciences
Classification: Uncertain significance for RAI1-related condition. Last evaluated: 2025-09-03. Review status: criteria provided, single submitter. Criteria: ACMG Guidelines, 2015. Collection method: clinical testing. Allele origin: germline.
Comment: The RAI1 c.3880C>A variant is predicted to result in the amino acid substitution p.Pro1294Thr. To our knowledge, this variant has not been reported in the literature. This variant is reported in 0.0018% of alleles in individuals of European (Non-Finnish) descent in gnomAD. At this time, the clinical significance of this variant is uncertain due to the absence of conclusive functional and genetic evidence.